The following is an entry in ClinVar:

NM_000334.4(SCN4A):c.1874T>C (p.Met625Thr)

Gene: SCN4A (sodium voltage-gated channel alpha subunit 4; minus strand). Cytogenetic location: 17q23.3.
Variant type: single nucleotide variant.
Coding change: c.1874T>C on transcript NM_000334.4 (MANE Select); coding-DNA position 1874, T replaced by C.
Protein change: p.Met625Thr; replaces methionine 625 with threonine.
Molecular consequence: missense variant.
Genome position (GRCh38, 1-based): chr17:63,959,410, A>G on the plus strand (T>C on the coding strand, the complement: SCN4A is on the minus strand). VCF-style: chr17-63959410-A-G. GRCh37 (hg19) VCF-style: chr17-62036770-A-G.
Other names: short protein forms M625T.
Identifiers: ClinVar variation 1401147 (VCV001401147.7), dbSNP rs372436021, ClinGen allele CA292966976.

ClinVar aggregate classification (germline): Uncertain significance. Review status: criteria provided, multiple submitters, no conflicts (2 of 4 stars). 2 submissions from 2 submitters: Uncertain significance (2). Last evaluated 2022-06-20.

Conditions:
Paramyotonia congenita of Von Eulenburg. Also called: PARALYSIS PERIODICA PARAMYOTONICA; Paramyotonia Congenita; Eulenburg disease; Myotonia congenita intermittens; Von Eulenburg paramyotonia congenita. Identifiers: Orphanet 684, MedGen C0221055, MONDO:0008195, OMIM 168300. Disease mechanism: loss of function.
Congenital myasthenic syndrome 16. Identifiers: Orphanet 590, MedGen C3280112, MONDO:0013620, OMIM 614198.
Hypokalemic periodic paralysis, type 1. Also called: Hypokalemic Periodic Paralysis Type 1 (AD); HypoPP. Identifiers: Orphanet 681, MedGen C3714580, MONDO:0042979, OMIM 170400.
Potassium-aggravated myotonia. Also called: MYOTONIA CONGENITA, ACETAZOLAMIDE-RESPONSIVE; MYOTONIA CONGENITA, ATYPICAL; SODIUM CHANNEL MUSCLE DISEASE; Myotonia congenita, atypical, acetazolamide-responsive. Identifiers: Orphanet 612, Orphanet 99734, Orphanet 99735, Orphanet 99736, MedGen C2931826, MONDO:0018959, OMIM 608390.
Hypokalemic periodic paralysis, type 2 (HOKPP2). Identifiers: Orphanet 681, MedGen C2750061, MONDO:0013234, OMIM 613345.
Hyperkalemic periodic paralysis. Also called: Familial hyperkalemic periodic paralysis; Gamstorp disease. Identifiers: Orphanet 682, MedGen C0238357, MONDO:0008224, OMIM 170500, HP:0007215.

Allele frequency attached by ClinVar (database versions not stated): gnomAD 0.00001; gnomAD exomes below 0.00001; TOPMed 0.00001; ESP Exome Variant Server 0.00008.
gnomAD v4.1: 7 of 1,613,802 alleles (0.00043%); highest among the groups gnomAD compares: Non-Finnish European, 0.00059%; no homozygotes.

Submissions (2):

Labcorp Genetics (formerly Invitae), Labcorp
Classification: Uncertain significance for Hyperkalemic periodic paralysis. Last evaluated: 2022-06-20. Review status: criteria provided, single submitter. Criteria: Invitae Variant Classification Sherloc (09022015). Collection method: clinical testing. Allele origin: germline.
Comment: This sequence change replaces methionine, which is neutral and non-polar, with threonine, which is neutral and polar, at codon 625 of the SCN4A protein (p.Met625Thr). In summary, the available evidence is currently insufficient to determine the role of this variant in disease. Therefore, it has been classified as a Variant of Uncertain Significance. Algorithms developed to predict the effect of missense changes on protein structure and function (SIFT, PolyPhen-2, Align-GVGD) all suggest that this variant is likely to be disruptive. This variant has not been reported in the literature in individuals affected with SCN4A-related conditions. This variant is not present in population databases (gnomAD no frequency).

Fulgent Genetics
Classification: Uncertain significance for Paramyotonia congenita of Von Eulenburg; Hypokalemic periodic paralysis, type 1; Hyperkalemic periodic paralysis; Potassium-aggravated myotonia; Hypokalemic periodic paralysis, type 2; Congenital myasthenic syndrome 16. Last evaluated: 2022-02-19. Review status: criteria provided, single submitter. Criteria: ACMG Guidelines, 2015. Collection method: clinical testing. Allele origin: unknown.